The following is an entry in ClinVar:

ClinVar aggregate classification (germline): Uncertain significance (1 of 4 stars; one submission).

gnomAD v4.1: 183 of 1,609,414 alleles (0.011%); highest among the groups gnomAD compares: African/African-American, 0.025%; no homozygotes.

Submission:

Ambry Genetics
Classification: Uncertain significance. Last evaluated: 2026-07-28. Review status: criteria provided, single submitter. Criteria: Ambry Variant Classification Scheme 2023. Collection method: clinical testing. Allele origin: germline.
Comment: The c.9731C>T (p.A3244V) alteration is located in exon 61 (coding exon 61) of the MDN1 gene. This alteration results from a C to T substitution at nucleotide position 9731, causing the alanine (A) at amino acid position 3244 to be replaced by a valine (V). Based on data from gnomAD, the T allele has an overall frequency of 0.008% (22/280482) total alleles studied. The highest observed frequency was 0.013% (16/127726) of European (non-Finnish) alleles. Based on insufficient or conflicting evidence, the clinical significance of this alteration remains unclear.

NM_014611.3(MDN1):c.9731C>T (p.Ala3244Val)

Gene: MDN1 (midasin AAA ATPase 1; minus strand). Cytogenetic location: 6q15.
Variant type: single nucleotide variant.
Coding change: c.9731C>T on transcript NM_014611.3 (MANE Select); coding-DNA position 9731, C replaced by T.
Protein change: p.Ala3244Val; replaces alanine 3244 with valine.
Molecular consequence: missense variant.
Genome position (GRCh38, 1-based): chr6:89,695,645, G>A on the plus strand (C>T on the coding strand, the complement: MDN1 is on the minus strand). VCF-style: chr6-89695645-G-A. GRCh37 (hg19) VCF-style: chr6-90405364-G-A.
Other names: short protein forms A3244V.
Identifiers: ClinVar variation 3394119 (VCV003394119.2).